The following is an entry in ClinVar:

ClinVar aggregate classification (germline): Likely pathogenic. Review status: criteria provided, multiple submitters, no conflicts (2 of 4 stars). 2 submissions from 2 submitters: Likely pathogenic (2). Last evaluated 2026-06-12.

Conditions:
GNAS-related disorder. Identifiers: MedGen CN380105.

Submissions (2):

PreventionGenetics, part of Exact Sciences
Classification: Likely pathogenic for GNAS-related condition. Last evaluated: 2026-06-12. Review status: criteria provided, single submitter. Criteria: ACMG Guidelines, 2015. Collection method: clinical testing. Allele origin: germline.
Comment: The GNAS c.257+1G>T variant is predicted to disrupt the GT donor site and interfere with normal splicing. To our knowledge, this variant has not been reported in the literature or in a large population database (gnomAD), indicating this variant is rare. It is predicted to cause in-frame skipping of exon 3. A similar variant impacting the same consensus splice site (c.257+1G>A) has been reported within a pseudohypoparathyroidism cohort (Table 2, Elli et al. 2013. PubMed ID: 23281139). Variants that disrupt the consensus splice donor site in GNAS are expected to be pathogenic. This variant is interpreted as likely pathogenic.

GeneDx
Classification: Likely pathogenic. Last evaluated: 2016-06-01. Review status: criteria provided, single submitter. Criteria: GeneDx Variant Classification (06012015). Collection method: clinical testing. Allele origin: germline. Affected: yes.
Comment: The c.257+1G>T variant in the GNAS gene has not been reported previously as a pathogenic variant nor as a benign variant, to our knowledge. This splice site variant destroys the canonical splice donor site in intron 3. It is predicted to cause in-frame skipping of exon 3, resulting in an in-frame protein product with an abnormal message. However, in the absence of RNA/functional studies, the actual effect of c.257+1G>T in this individual is unknown. The c.257+1G>T variant was not observed in approximately 6500 individuals of European and African American ancestry in the NHLBI Exome Sequencing Project, indicating it is not a common benign variant in these populations. Furthermore, another splice variant (c.257+1G>A), at the same canonical splice site, has been published in association with GNAS-related disorders (Stenson et al., 2014). Therefore, we interpret c.2065-1G>A as a likely pathogenic variant.

NM_000516.7(GNAS):c.257+1G>T

Gene: GNAS (GNAS complex locus; plus strand). Cytogenetic location: 20q13.32.
Variant type: single nucleotide variant.
Coding change: c.257+1G>T on transcript NM_000516.7 (MANE Select); the canonical splice donor site of the intron after coding-DNA position 257, G replaced by T.
Molecular consequence: splice donor variant. On other transcripts: intron variant (3).
Genome position (GRCh38, 1-based): chr20:58,898,986, G>T. VCF-style: chr20-58898986-G-T. GRCh37 (hg19) VCF-style: chr20-57474041-G-T.
Other names: c.*160+1G>T (NM_016592.5); c.161+1G>T (NM_001410912.1); c.80+1G>T (NM_001309861.2, NM_001309840.2); c.*118+1G>T (NM_001077490.3); c.2186+1G>T (NM_080425.4); c.2141+3302G>T (NM_001410913.1); c.*276+1G>T (NM_001309883.1); c.257+1G>T (NM_001077488.5, NM_001309842.2, NM_000516.5); and 1 more.
Identifiers: ClinVar variation 421221 (VCV000421221.3), dbSNP rs111541229, ClinGen allele CA16620944.